The following is an entry in ClinVar:

NM_000038.6(APC):c.8093A>C (p.Lys2698Thr)

Gene: APC (APC regulator of Wnt signaling pathway; plus strand). Cytogenetic location: 5q22.2.
Variant type: single nucleotide variant.
Coding change: c.8093A>C on transcript NM_000038.6 (MANE Select); coding-DNA position 8093, A replaced by C.
Protein change: p.Lys2698Thr; replaces lysine 2698 with threonine.
Molecular consequence: missense variant.
Genome position (GRCh38, 1-based): chr5:112,843,687, A>C. VCF-style: chr5-112843687-A-C. GRCh37 (hg19) VCF-style: chr5-112179384-A-C.
Other names: c.8093A>C, p.Lys2698Thr (NM_001127510.3, NM_001354895.2); c.8039A>C, p.Lys2680Thr (NM_001127511.3); c.8147A>C, p.Lys2716Thr (NM_001354896.2); c.8123A>C, p.Lys2708Thr (NM_001354897.2); c.8018A>C, p.Lys2673Thr (NM_001354898.2); c.8009A>C, p.Lys2670Thr (NM_001354899.2); c.7970A>C, p.Lys2657Thr (NM_001354900.2); c.7916A>C, p.Lys2639Thr (NM_001354901.2); and 5 more; short protein forms K2415T, K2607T, K2680T, K2538T, K2670T, K2597T, K2673T, K2698T.
Identifiers: ClinVar variation 1042552 (VCV001042552.13), dbSNP rs768146986, ClinGen allele CA049861.

ClinVar aggregate classification (germline): Uncertain significance. Review status: criteria provided, multiple submitters, no conflicts (2 of 4 stars). 3 submissions from 3 submitters: Uncertain significance (3). Last evaluated 2025-08-07.

Conditions:
Classic or attenuated familial adenomatous polyposis. Identifiers: MedGen CN372698, MONDO:0021057.
Hereditary cancer-predisposing syndrome. Also called: Hereditary Cancer Syndrome; Tumor predisposition; Hereditary neoplastic syndrome; Neoplastic Syndromes, Hereditary. Identifiers: Orphanet 140162, MedGen C0027672, MeSH D009386, MONDO:0015356.
Familial adenomatous polyposis 1 (FAP1). Also called: FAMILIAL ADENOMATOUS POLYPOSIS 1, ATTENUATED; POLYPOSIS, ADENOMATOUS INTESTINAL. Identifiers: MedGen C2713442, MONDO:0021056, OMIM 175100. Disease mechanism: loss of function.

Allele frequency attached by ClinVar (database versions not stated): gnomAD exomes below 0.00001; ExAC 0.00001; gnomAD 0.00001; TOPMed 0.00001.

Submissions (3):

Labcorp Genetics (formerly Invitae), Labcorp
Classification: Uncertain significance for Familial adenomatous polyposis 1. Last evaluated: 2025-08-07. Review status: criteria provided, single submitter. Criteria: Invitae Variant Classification Sherloc (09022015). Collection method: clinical testing. Allele origin: germline.
Comment: This sequence change replaces lysine, which is basic and polar, with threonine, which is neutral and polar, at codon 2698 of the APC protein (p.Lys2698Thr). This variant is present in population databases (rs768146986, gnomAD 0.007%). This variant has not been reported in the literature in individuals affected with APC-related conditions. ClinVar contains an entry for this variant (Variation ID: 1042552). Invitae Evidence Modeling of protein sequence and biophysical properties (such as structural, functional, and spatial information, amino acid conservation, physicochemical variation, residue mobility, and thermodynamic stability) indicates that this missense variant is not expected to disrupt APC protein function with a negative predictive value of 95%. In summary, the available evidence is currently insufficient to determine the role of this variant in disease. Therefore, it has been classified as a Variant of Uncertain Significance.

All of Us Research Program, National Institutes of Health
Classification: Uncertain significance for Classic or attenuated familial adenomatous polyposis. Last evaluated: 2023-06-28. Review status: criteria provided, single submitter. Criteria: ACMG Guidelines, 2015. Collection method: clinical testing. Allele origin: germline. Inheritance: Autosomal dominant inheritance. Observed: 2 variant alleles, 2 heterozygotes.
Comment: This missense variant replaces lysine with threonine at codon 2698 of the APC protein. Computational prediction suggests that this variant may not impact protein structure and function (internally defined REVEL score threshold <= 0.5, PMID: 27666373). To our knowledge, functional studies have not been reported for this variant. This variant has not been reported in individuals affected with APC-related disorders in the literature. This variant has been identified in 1/251370 chromosomes in the general population by the Genome Aggregation Database (gnomAD). The available evidence is insufficient to determine the role of this variant in disease conclusively. Therefore, this variant is classified as a Variant of Uncertain Significance.

This study involves interpretation of variants in research participants for the purpose of population health screening. Participant phenotype was not available at the time of variant classification. Additional details can be found in publication PMID: 35346344, PMCID: PMC8962531

Ambry Genetics
Classification: Uncertain significance for Hereditary cancer-predisposing syndrome. Last evaluated: 2021-08-02. Review status: criteria provided, single submitter. Criteria: Ambry Variant Classification Scheme 2023. Collection method: clinical testing. Allele origin: germline.
Comment: The p.K2698T variant (also known as c.8093A>C), located in coding exon 15 of the APC gene, results from an A to C substitution at nucleotide position 8093. The lysine at codon 2698 is replaced by threonine, an amino acid with similar properties. This amino acid position is well conserved in available vertebrate species. In addition, in silico predictors for this gene do not accurately predict pathogenicity. Since supporting evidence is limited at this time, the clinical significance of this alteration remains unclear.